The following is an entry in ClinVar:

ClinVar aggregate classification (germline): Pathogenic. Review status: criteria provided, multiple submitters, no conflicts (2 of 4 stars). 13 submissions from 13 submitters: Pathogenic (10). 3 of the submissions do not count toward it. Last evaluated 2024-03-28.

Conditions:
SLC2A1-related disorder. Also called: SLC2A1-related disorders; SLC2A1-related condition.
Dystonia 9 (DYT9). Also called: CHOREOATHETOSIS, KINESIGENIC, WITH EPISODIC ATAXIA AND SPASTICITY. Identifiers: Orphanet 53583, MedGen C1832855, MONDO:0010983, OMIM 601042.
GLUT1 deficiency syndrome 1, autosomal recessive. Identifiers: MedGen C3149117.
Childhood onset GLUT1 deficiency syndrome 2. Also called: PxMD-SLC2A1; GLUT1 deficiency syndrome 2; Exertion-induced paroxysmal dyskinesia; PAROXYSMAL EXERCISE-INDUCED DYSKINESIA WITH OR WITHOUT EPILEPSY AND/OR HEMOLYTIC ANEMIA; PAROXYSMAL EXERTION-INDUCED DYSTONIA WITH OR WITHOUT EPILEPSY AND/OR HEMOLYTIC ANEMIA; PED WITH OR WITHOUT EPILEPSY AND/OR HEMOLYTIC ANEMIA. Identifiers: Orphanet 98811, MedGen C1842534, MONDO:0012805, OMIM 612126.
Encephalopathy due to GLUT1 deficiency. Also called: GLUCOSE TRANSPORT DEFECT, BLOOD-BRAIN BARRIER; De Vivo disease; Glucose transporter protein syndrome; Classic Glucose Transporter Type 1 Deficiency Syndrome; GLUT1 deficiency syndrome 1; GLUT1 deficiency syndrome 1, infantile onset, severe. Identifiers: Orphanet 71277, MedGen C4551966, MONDO:0011724, OMIM 606777.
Seizure. Also called: Seizures. Identifiers: MedGen C0036572, HP:0001250.

Submissions (13):

Labcorp Genetics (formerly Invitae), Labcorp
Classification: Pathogenic for GLUT1 deficiency syndrome 1, autosomal recessive. Last evaluated: 2024-03-28. Review status: criteria provided, single submitter. Criteria: Invitae Variant Classification Sherloc (09022015). Collection method: clinical testing. Allele origin: germline.
Comment: This sequence change replaces glycine, which is neutral and non-polar, with serine, which is neutral and polar, at codon 314 of the SLC2A1 protein (p.Gly314Ser). This variant is not present in population databases (gnomAD no frequency). This missense change has been observed in individual(s) with epilepsy, mild mental retardation, and impulsivity and/or paroxysmal exertion-induced dyskinesias (PMID: 11076005, 18451999, 26615598, 27351150). It has also been observed to segregate with disease in related individuals. ClinVar contains an entry for this variant (Variation ID: 16113). Advanced modeling of protein sequence and biophysical properties (such as structural, functional, and spatial information, amino acid conservation, physicochemical variation, residue mobility, and thermodynamic stability) performed at Invitae indicates that this missense variant is expected to disrupt SLC2A1 protein function with a positive predictive value of 95%. Experimental studies have shown that this missense change affects SLC2A1 function (PMID: 18451999). For these reasons, this variant has been classified as Pathogenic.

Cytogénomique, Hospices Civils de Lyon
Classification: Pathogenic for Seizure. Last evaluated: 2023-11-27. Review status: criteria provided, single submitter. Criteria: ACMG Guidelines, 2015. Collection method: clinical testing. Allele origin: unknown. Affected: yes.

CeGaT Center for Human Genetics Tuebingen
Classification: Pathogenic. Last evaluated: 2023-05-01. Review status: criteria provided, single submitter. Criteria: CeGaT Center For Human Genetics Tuebingen Variant Classification Criteria Version 2. Collection method: clinical testing. Allele origin: germline. Affected: yes. Observed: 2 variant alleles.
Comment: SLC2A1: PM2, PM5, PS2:Moderate, PS4:Moderate, PP2, PS3:Supporting

Genome-Nilou Lab
Classification: Pathogenic for Encephalopathy due to GLUT1 deficiency. Last evaluated: 2023-04-11. Review status: criteria provided, single submitter. Criteria: ACMG Guidelines, 2015. Collection method: clinical testing. Allele origin: germline. Affected: no.

MGZ Medical Genetics Center
Classification: Pathogenic for Dystonia 9. Last evaluated: 2022-07-19. Review status: criteria provided, single submitter. Criteria: ACMG Guidelines, 2015. Collection method: clinical testing. Allele origin: germline. Affected: yes. Observed: 1 variant allele.
Comment: ACMG criteria applied: PS3, PS4, PM2_SUP, PP1, PP2, PP3

GeneDx
Classification: Pathogenic. Last evaluated: 2022-02-28. Review status: criteria provided, single submitter. Criteria: GeneDx Variant Classification Process June 2021. Collection method: clinical testing. Allele origin: germline. Affected: yes.
Comment: Published functional studies demonstrate reduced glucose uptake (Weber et al., 2008); Not observed in large population cohorts (gnomAD); In silico analysis, which includes protein predictors and evolutionary conservation, supports a deleterious effect; This variant is associated with the following publications: (PMID: 20574033, 27781031, 26615598, 18451999, 26986070, 21791420, 20507906, 25022942, 27351150, 26536893, 27128978, 26821218, 24847886, 11076005, 30895386, 31302675, 33584489)

Institute of Medical Genetics and Applied Genomics, University Hospital Tübingen
Classification: Pathogenic. Last evaluated: 2020-10-23. Review status: criteria provided, single submitter. Criteria: ACMG Guidelines, 2015. Collection method: clinical testing. Allele origin: germline. Inheritance: Unknown mechanism. Affected: yes.

Blueprint Genetics
Classification: Pathogenic for SLC2A1-related disorders. Last evaluated: 2020-02-13. Review status: criteria provided, single submitter. Criteria: ACMG Guidelines, 2015. Collection method: clinical testing. Allele origin: germline. Affected: yes. Observed: 1 variant allele.

Institute of Human Genetics, University of Leipzig Medical Center
Classification: Pathogenic for Encephalopathy due to GLUT1 deficiency. Last evaluated: 2018-06-13. Review status: criteria provided, single submitter. Criteria: ACMG Guidelines, 2015. Collection method: clinical testing. Allele origin: germline. Affected: yes. Observed: 1 variant allele.

Eurofins Ntd Llc (ga)
Classification: Pathogenic. Last evaluated: 2014-01-03. Review status: criteria provided, single submitter. Criteria: EGL Classification Definitions. Collection method: clinical testing. Allele origin: germline. Observed: 3 variant alleles, 3 heterozygotes.

OMIM
Classification: Pathogenic for GLUT1 DEFICIENCY SYNDROME 2. Last evaluated: 2008-06-01. Review status: no assertion criteria provided. Collection method: literature only. Allele origin: germline. Not counted in ClinVar's aggregate classification.

Genome Diagnostics Laboratory, Amsterdam University Medical Center
Classification: Likely pathogenic. Review status: no assertion criteria provided. Collection method: clinical testing. Allele origin: germline. Affected: yes. Study: VKGL Data-share Consensus. Not counted in ClinVar's aggregate classification.

Joint Genome Diagnostic Labs from Nijmegen and Maastricht, Radboudumc and MUMC+
Classification: Pathogenic. Review status: no assertion criteria provided. Collection method: clinical testing. Allele origin: germline. Affected: yes. Study: VKGL Data-share Consensus. Not counted in ClinVar's aggregate classification.

Literature cited by the submitters: PubMed 11076005 (cited by Labcorp Genetics (formerly Invitae), Labcorp); PubMed 18451999 (cited by Labcorp Genetics (formerly Invitae), Labcorp and OMIM); PubMed 26615598 (cited by Labcorp Genetics (formerly Invitae), Labcorp); PubMed 27351150 (cited by Labcorp Genetics (formerly Invitae), Labcorp).

NM_006516.4(SLC2A1):c.940G>A (p.Gly314Ser)

Gene: SLC2A1 (solute carrier family 2 member 1; minus strand). Cytogenetic location: 1p34.2.
Variant type: single nucleotide variant.
Coding change: c.940G>A on transcript NM_006516.4 (MANE Select); coding-DNA position 940, G replaced by A.
Protein change: p.Gly314Ser; replaces glycine 314 with serine.
Molecular consequence: missense variant.
Genome position (GRCh38, 1-based): chr1:42,929,242, C>T on the plus strand (G>A on the coding strand, the complement: SLC2A1 is on the minus strand). VCF-style: chr1-42929242-C-T. GRCh37 (hg19) VCF-style: chr1-43394913-C-T.
Other names: short protein forms G314S.
Identifiers: ClinVar variation 16113 (VCV000016113.59), dbSNP rs121909739, ClinGen allele CA019364.